The following is an entry in ClinVar:

ClinVar aggregate classification (germline): Pathogenic (1 of 4 stars; one submission).

Conditions:
X-linked Alport syndrome (ATS1). Also called: COL4A5-Related Nephropathy; NEPHROPATHY AND DEAFNESS, X-LINKED. Identifiers: Orphanet 63, Orphanet 88917, MedGen C4746986, MONDO:0010520, OMIM 301050.

Submission:

Myriad Genetics, Inc.
Classification: Pathogenic for X-linked Alport syndrome. Last evaluated: 2025-07-29. Review status: criteria provided, single submitter. Criteria: Myriad Autosomal Dominant, Autosomal Recessive and X-Linked Classification Criteria (2023). Collection method: clinical testing. Allele origin: unknown.
Comment: NM_000495.4(COL4A5):c.120C>A(C40*) is expected to be pathogenic in the context of X-linked Alport syndrome. This variant is predicted to lead to an abnormal or absent protein product due to the creation of a premature termination codon in COL4A5, a gene where loss-of-function variants are known to be pathogenic. Please note: this variant was assessed in the context of healthy population screening.

NM_033380.3(COL4A5):c.120C>A (p.Cys40Ter)

Gene: COL4A5 (collagen type IV alpha 5 chain; plus strand). Cytogenetic location: Xq22.3.
Variant type: single nucleotide variant.
Coding change: c.120C>A on transcript NM_033380.3 (MANE Select); coding-DNA position 120, C replaced by A.
Protein change: p.Cys40Ter; replaces cysteine 40 with a stop codon.
Molecular consequence: nonsense.
Genome position (GRCh38, 1-based): chrX:108,539,784, C>A. VCF-style: chrX-108539784-C-A. GRCh37 (hg19) VCF-style: chrX-107783014-C-A.
Other names: c.120C>A, p.Cys40Ter (NM_000495.5); short protein forms C40*.
Identifiers: ClinVar variation 5014791 (VCV005014791.1).